The following is an entry in ClinVar:

NM_000038.6(APC):c.1204C>A (p.Arg402Ser)

Gene: APC (APC regulator of Wnt signaling pathway; plus strand). Cytogenetic location: 5q22.2.
Variant type: single nucleotide variant.
Coding change: c.1204C>A on transcript NM_000038.6 (MANE Select); coding-DNA position 1204, C replaced by A.
Protein change: p.Arg402Ser; replaces arginine 402 with serine.
Molecular consequence: missense variant. On other transcripts: intron variant (4).
Genome position (GRCh38, 1-based): chr5:112,819,236, C>A. VCF-style: chr5-112819236-C-A. GRCh37 (hg19) VCF-style: chr5-112154933-C-A.
Other names: c.1204C>A, p.Arg402Ser (NM_001127510.3, NM_001354895.2, NM_001354896.2); c.1150C>A, p.Arg384Ser (NM_001127511.3); c.1234C>A, p.Arg412Ser (NM_001354897.2); c.1129C>A, p.Arg377Ser (NM_001354898.2); c.1120C>A, p.Arg374Ser (NM_001354899.2); c.1027C>A, p.Arg343Ser (NM_001354900.2, NM_001354901.2); c.355C>A, p.Arg119Ser (NM_001354906.2); c.964-33C>A (NM_001354902.2); and 3 more; short protein forms R402S, R412S, R343S, R377S, R119S, R374S, R384S.
Identifiers: ClinVar variation 818588 (VCV000818588.4), dbSNP rs876660612, ClinGen allele CA16023940.
Genomic context (GRCh38, chr5:112,819,236, plus strand): 5'-AGGGCCAGTGCAGCACTCCACAACATCATTCACTCACAGCCTGATGACAAGAGAGGCAGG[C>A]GTGAAATCCGAGTCCTTCATCTTTTGGAACAGATACGCGCTTACTGTGAAACCTGTTGGG-3'
Protein context (NP_000029.2, residues 392-412): HSQPDDKRGR[Arg402Ser]EIRVLHLLEQ

ClinVar aggregate classification (germline): Uncertain significance (1 of 4 stars; one submission).

Conditions:
Hereditary cancer-predisposing syndrome. Also called: Tumor predisposition; Hereditary neoplastic syndrome; Neoplastic Syndromes, Hereditary; Hereditary Cancer Syndrome. Identifiers: Orphanet 140162, MedGen C0027672, MeSH D009386, MONDO:0015356.

Submission:

Ambry Genetics
Classification: Uncertain significance for Hereditary cancer-predisposing syndrome. Last evaluated: 2018-03-15. Review status: criteria provided, single submitter. Criteria: Ambry Variant Classification Scheme 2023. Collection method: clinical testing. Allele origin: germline.
Comment: The p.R402S variant (also known as c.1204C>A), located in coding exon 9 of the APC gene, results from a C to A substitution at nucleotide position 1204. The arginine at codon 402 is replaced by serine, an amino acid with dissimilar properties. This amino acid position is highly conserved in available vertebrate species. In addition, in silico predictors for this gene do not accurately predict pathogenicity. Since supporting evidence is limited at this time, the clinical significance of this alteration remains unclear.